The following is an entry in ClinVar:

NM_213595.4(ISCU):c.25C>T (p.Leu9=)

Gene: ISCU (iron-sulfur cluster assembly enzyme; plus strand). Cytogenetic location: 12q23.3.
Variant type: single nucleotide variant.
Coding change: c.25C>T on transcript NM_213595.4 (MANE Select); coding-DNA position 25, C replaced by T.
Protein change: p.Leu9=; no amino-acid change (leucine 9 retained).
Molecular consequence: synonymous variant. On other transcripts: 5 prime UTR variant (1), non-coding transcript variant (1).
Genome position (GRCh38, 1-based): chr12:108,562,647, C>T. VCF-style: chr12-108562647-C-T. GRCh37 (hg19) VCF-style: chr12-108956423-C-T.
Other names: c.25C>T, p.Leu9= (NM_001301140.1, NM_001301141.1, NM_001320042.1); c.-147C>T (NM_014301.4).
Identifiers: ClinVar variation 738266 (VCV000738266.22), dbSNP rs561720120, ClinGen allele CA6768688.

ClinVar aggregate classification (germline): Benign/Likely benign. Review status: criteria provided, multiple submitters, no conflicts (2 of 4 stars). 2 submissions from 2 submitters: Benign (1); Likely benign (1). Last evaluated 2026-08-01.

Allele frequency attached by ClinVar (database versions not stated): gnomAD exomes 0.00070; gnomAD 0.00102; 1000 Genomes Project 30x 0.00281; 1000 Genomes Project 0.00339.
gnomAD v4.1: 291 of 1,463,440 alleles (0.02%); highest among the groups gnomAD compares: East Asian, 0.71%; no homozygotes.

Submissions (2):

CeGaT Center for Human Genetics Tuebingen
Classification: Likely benign. Last evaluated: 2026-08-01. Review status: criteria provided, single submitter. Criteria: CeGaT Center For Human Genetics Tuebingen Variant Classification Criteria Version 2. Collection method: clinical testing. Allele origin: germline. Affected: yes. Observed: 2 variant alleles.
Comment: ISCU: BP4, BP7

Labcorp Genetics (formerly Invitae), Labcorp
Classification: Benign. Last evaluated: 2026-01-25. Review status: criteria provided, single submitter. Criteria: Invitae Variant Classification Sherloc (09022015). Collection method: clinical testing. Allele origin: germline.